The following is an entry in ClinVar:

NM_001395413.1(POR):c.511T>A (p.Phe171Ile)

Gene: POR (cytochrome p450 oxidoreductase; plus strand). Cytogenetic location: 7q11.23.
Variant type: single nucleotide variant.
Coding change: c.511T>A on transcript NM_001395413.1 (MANE Select); coding-DNA position 511, T replaced by A.
Protein change: p.Phe171Ile; replaces phenylalanine 171 with isoleucine.
Molecular consequence: missense variant.
Genome position (GRCh38, 1-based): chr7:75,981,051, T>A. VCF-style: chr7-75981051-T-A. GRCh37 (hg19) VCF-style: chr7-75610369-T-A.
Other names: c.520T>A, p.Phe174Ile (NM_000941.2, NM_000941.3); c.511T>A, p.Phe171Ile (NM_001367562.3, NM_001382657.2, NM_001382658.3 and 2 more transcripts); c.565T>A, p.Phe189Ile (NM_001382655.3); short protein forms F171I, F189I, F174I.
Identifiers: ClinVar variation 2098037 (VCV002098037.4), dbSNP rs1185376632, ClinGen allele CA367747946.

ClinVar aggregate classification (germline): Uncertain significance (1 of 4 stars; one submission).

Conditions:
Congenital adrenal hyperplasia due to cytochrome P450 oxidoreductase deficiency. Also called: DISORDERED STEROIDOGENESIS DUE TO POR DEFICIENCY. Identifiers: Orphanet 95699, MedGen C1860042, MONDO:0013310, OMIM 613571.

Allele frequency attached by ClinVar (database versions not stated): gnomAD exomes below 0.00001.
gnomAD v4.1: 2 of 1,572,510 alleles (0.00013%); highest among the groups gnomAD compares: Admixed American, 0.0036%; no homozygotes.

Submission:

Labcorp Genetics (formerly Invitae), Labcorp
Classification: Uncertain significance for Congenital adrenal hyperplasia due to cytochrome P450 oxidoreductase deficiency. Last evaluated: 2022-02-17. Review status: criteria provided, single submitter. Criteria: Invitae Variant Classification Sherloc (09022015). Collection method: clinical testing. Allele origin: germline.
Comment: This variant has not been reported in the literature in individuals affected with POR-related conditions. In summary, the available evidence is currently insufficient to determine the role of this variant in disease. Therefore, it has been classified as a Variant of Uncertain Significance. Algorithms developed to predict the effect of sequence changes on RNA splicing suggest that this variant is not likely to affect RNA splicing. Algorithms developed to predict the effect of missense changes on protein structure and function are either unavailable or do not agree on the potential impact of this missense change (SIFT: "Deleterious"; PolyPhen-2: "Probably Damaging"; Align-GVGD: "Class C0"). This variant is not present in population databases (gnomAD no frequency). This sequence change replaces phenylalanine, which is neutral and non-polar, with isoleucine, which is neutral and non-polar, at codon 174 of the POR protein (p.Phe174Ile).